The following is an entry in ClinVar:

NM_003638.3(ITGA8):c.1445+1G>A

Gene: ITGA8 (integrin subunit alpha 8; minus strand). Cytogenetic location: 10p13.
Variant type: single nucleotide variant.
Coding change: c.1445+1G>A on transcript NM_003638.3 (MANE Select); the canonical splice donor site of the intron after coding-DNA position 1445, G replaced by A.
Molecular consequence: splice donor variant.
Genome position (GRCh38, 1-based): chr10:15,616,513, C>T on the plus strand (G>A on the coding strand, the complement: ITGA8 is on the minus strand). VCF-style: chr10-15616513-C-T. GRCh37 (hg19) VCF-style: chr10-15658512-C-T.
Other names: c.1400+1G>A (NM_001291494.2).
Identifiers: ClinVar variation 4761540 (VCV004761540.1).

ClinVar aggregate classification (germline): Likely pathogenic (1 of 4 stars; one submission).

gnomAD v4.1: 4 of 1,607,492 alleles (0.00025%); highest among the groups gnomAD compares: African/African-American, 0.0053%; no homozygotes.

Submission:

Labcorp Genetics (formerly Invitae), Labcorp
Classification: Likely pathogenic. Last evaluated: 2025-11-19. Review status: criteria provided, single submitter. Criteria: Invitae Variant Classification Sherloc (09022015). Collection method: clinical testing. Allele origin: germline.
Comment: This sequence change affects a donor splice site in intron 14 of the ITGA8 gene. It is expected to disrupt RNA splicing. Variants that disrupt the donor or acceptor splice site typically lead to a loss of protein function (PMID: 16199547), and loss-of-function variants in ITGA8 are known to be pathogenic (PMID: 24439109). This variant is present in population databases (rs377187024, gnomAD 0.008%). This variant has not been reported in the literature in individuals affected with ITGA8-related conditions. Algorithms developed to predict the effect of sequence changes on RNA splicing suggest that this variant may disrupt the consensus splice site. In summary, the currently available evidence indicates that the variant is pathogenic, but additional data are needed to prove that conclusively. Therefore, this variant has been classified as Likely Pathogenic.

Literature cited by the submitters: PubMed 16199547; PubMed 24439109.